The following is an entry in ClinVar:

ClinVar aggregate classification (germline): Uncertain significance (1 of 4 stars; one submission).

Conditions:
FG syndrome (FGS). Identifiers: MedGen C0220769, MONDO:0002010.

Submission:

Labcorp Genetics (formerly Invitae), Labcorp
Classification: Uncertain significance for FG syndrome. Last evaluated: 2022-03-27. Review status: criteria provided, single submitter. Criteria: Invitae Variant Classification Sherloc (09022015). Collection method: clinical testing. Allele origin: germline.
Comment: In summary, the available evidence is currently insufficient to determine the role of this variant in disease. Therefore, it has been classified as a Variant of Uncertain Significance. Advanced modeling of protein sequence and biophysical properties (such as structural, functional, and spatial information, amino acid conservation, physicochemical variation, residue mobility, and thermodynamic stability) performed at Invitae indicates that this missense variant is expected to disrupt MED12 protein function. This variant has not been reported in the literature in individuals affected with MED12-related conditions. This variant is not present in population databases (gnomAD no frequency). This sequence change replaces valine, which is neutral and non-polar, with glycine, which is neutral and non-polar, at codon 1443 of the MED12 protein (p.Val1443Gly).

NM_005120.3(MED12):c.4328T>G (p.Val1443Gly)

Gene: MED12 (mediator complex subunit 12; plus strand). Cytogenetic location: Xq13.1.
Variant type: single nucleotide variant.
Coding change: c.4328T>G on transcript NM_005120.3 (MANE Select); coding-DNA position 4328, T replaced by G.
Protein change: p.Val1443Gly; replaces valine 1443 with glycine.
Molecular consequence: missense variant.
Genome position (GRCh38, 1-based): chrX:71,132,451, T>G. VCF-style: chrX-71132451-T-G. GRCh37 (hg19) VCF-style: chrX-70352301-T-G.
Other names: short protein forms V1443G.
Identifiers: ClinVar variation 2118360 (VCV002118360.4), dbSNP rs2519700444, ClinGen allele CA413526396.
Genomic context (GRCh38, chrX:71,132,451, plus strand): 5'-CTGGTGTATGGCTGGTGGCCCCCCTCATTGCTAAACTGCCCACCTCAGTCCAGGGACATG[T>G]GTTAAAGGCTGCTGGGGAAGAATTGGAGAAGGGTCAGCACCTGGGTTCCTCTTCACGCAA-3'
Protein context (NP_005111.2, residues 1433-1453): AKLPTSVQGH[Val1443Gly]LKAAGEELEK